The following is an entry in ClinVar:

NM_000921.5(PDE3A):c.556C>T (p.Leu186Phe)

Genes: PDE3A (phosphodiesterase 3A; plus strand), PDE3A-AS1 (PDE3A antisense RNA 1; minus strand), LOC124625920 (Sharpr-MPRA regulatory region 8059; plus strand). Cytogenetic location: 12p12.2.
Variant type: single nucleotide variant.
Coding change: c.556C>T on transcript NM_000921.5 (MANE Select); coding-DNA position 556, C replaced by T.
Protein change: p.Leu186Phe; replaces leucine 186 with phenylalanine.
Molecular consequence: missense variant. On other transcripts: 5 prime UTR variant (1).
Genome position (GRCh38, 1-based): chr12:20,369,840, C>T. VCF-style: chr12-20369840-C-T. GRCh37 (hg19) VCF-style: chr12-20522774-C-T.
Other names: c.556C>T, p.Leu186Phe (NM_001378407.1); c.-473C>T (NM_001378408.1); short protein forms L186F.
Identifiers: ClinVar variation 4133755 (VCV004133755.2).

ClinVar aggregate classification (germline): Uncertain significance. Review status: criteria provided, multiple submitters, no conflicts (2 of 4 stars). 2 submissions from 2 submitters: Uncertain significance (2). Last evaluated 2025-08-02.

Conditions:
Inborn genetic diseases. Identifiers: MedGen C0950123, MeSH D030342.

gnomAD v4.1: 38 of 1,611,838 alleles (0.0024%); highest among the groups gnomAD compares: African/African-American, 0.019%; no homozygotes.

Submissions (2):

Ambry Genetics
Classification: Uncertain significance for Inborn genetic diseases. Last evaluated: 2025-08-02. Review status: criteria provided, single submitter. Criteria: Ambry Variant Classification Scheme 2023. Collection method: clinical testing. Allele origin: germline.

Labcorp Genetics (formerly Invitae), Labcorp
Classification: Uncertain significance. Last evaluated: 2025-04-28. Review status: criteria provided, single submitter. Criteria: Invitae Variant Classification Sherloc (09022015). Collection method: clinical testing. Allele origin: germline.
Comment: This sequence change replaces leucine, which is neutral and non-polar, with phenylalanine, which is neutral and non-polar, at codon 186 of the PDE3A protein (p.Leu186Phe). This variant is present in population databases (rs368113031, gnomAD 0.02%). This variant has not been reported in the literature in individuals affected with PDE3A-related conditions. An algorithm developed to predict the effect of missense changes on protein structure and function (PolyPhen-2) suggests that this variant is likely to be disruptive. In summary, the available evidence is currently insufficient to determine the role of this variant in disease. Therefore, it has been classified as a Variant of Uncertain Significance.